The following is an entry in ClinVar:

NM_014915.3(ANKRD26):c.4220A>G (p.Asp1407Gly)

Gene: ANKRD26 (ankyrin repeat domain containing 26; minus strand). Cytogenetic location: 10p12.1.
Variant type: single nucleotide variant.
Coding change: c.4220A>G on transcript NM_014915.3 (MANE Select); coding-DNA position 4220, A replaced by G.
Protein change: p.Asp1407Gly; replaces aspartic acid 1407 with glycine.
Molecular consequence: missense variant.
Genome position (GRCh38, 1-based): chr10:27,017,788, T>C on the plus strand (A>G on the coding strand, the complement: ANKRD26 is on the minus strand). VCF-style: chr10-27017788-T-C. GRCh37 (hg19) VCF-style: chr10-27306717-T-C.
Other names: c.4217A>G, p.Asp1406Gly (NM_001256053.2); short protein forms D1406G, D1407G.
Identifiers: ClinVar variation 3871137 (VCV003871137.1).

ClinVar aggregate classification (germline): Uncertain significance (1 of 4 stars; one submission).

Conditions:
Inborn genetic diseases. Identifiers: MedGen C0950123, MeSH D030342.

Submission:

Ambry Genetics
Classification: Uncertain significance for Inborn genetic diseases. Last evaluated: 2025-02-09. Review status: criteria provided, single submitter. Criteria: Ambry Variant Classification Scheme 2023. Collection method: clinical testing. Allele origin: germline.
Comment: The p.D1407G variant (also known as c.4220A>G), located in coding exon 30 of the ANKRD26 gene, results from an A to G substitution at nucleotide position 4220. The aspartic acid at codon 1407 is replaced by glycine, an amino acid with similar properties. This amino acid position is conserved. In addition, this alteration is predicted to be tolerated by in silico analysis. Based on the available evidence, the clinical significance of this variant remains unclear.